The following is an entry in ClinVar:

ClinVar aggregate classification (germline): Pathogenic (1 of 4 stars; one submission).

Conditions:
Hereditary hemorrhagic telangiectasia (HHT). Also called: Osler hemorrhagic telangiectasia syndrome; ORW DISEASE; Osler Weber Rendu syndrome; OSLER-RENDU-WEBER DISEASE. Identifiers: Orphanet 774, MedGen C0039445, MONDO:0019180. Disease mechanism: loss of function.

Submission:

Labcorp Genetics (formerly Invitae), Labcorp
Classification: Pathogenic for Hereditary hemorrhagic telangiectasia. Last evaluated: 2021-01-20. Review status: criteria provided, single submitter. Criteria: Invitae Variant Classification Sherloc (09022015). Collection method: clinical testing. Allele origin: germline.
Comment: This sequence change creates a premature translational stop signal (p.Thr157Profs*6) in the ENG gene. It is expected to result in an absent or disrupted protein product. This variant is not present in population databases (ExAC no frequency). This variant has not been reported in the literature in individuals with ENG-related conditions. Loss-of-function variants in ENG are known to be pathogenic (PMID: 15879500, 20656886, 22385575). For these reasons, this variant has been classified as Pathogenic.

Literature cited by the submitters: PubMed 15879500; PubMed 20656886; PubMed 22385575.

NM_001114753.3(ENG):c.468del (p.Thr157fs)

Gene: ENG (endoglin; minus strand). Cytogenetic location: 9q34.11.
Variant type: Deletion.
Coding change: c.468del on transcript NM_001114753.3 (MANE Select); coding-DNA position 468, one base deleted (C; older notation c.468delC).
Protein change: p.Thr157fs; shifts the reading frame from threonine 157.
Molecular consequence: frameshift variant. On other transcripts: 5 prime UTR variant (1).
Genome position (GRCh38, 1-based): chr9:127,826,565, G deleted on the plus strand (C on the coding strand, the reverse complement: ENG is on the minus strand). VCF-style (leftmost placement, unchanged base first): chr9-127826564-TG-T. GRCh37 (hg19) VCF-style: chr9-130588843-TG-T.
Other names: c.468delC, p.Thr157Profs (NM_000118.4, NM_001406715.1); c.-79del (NM_001278138.2); short protein forms T157fs.
Identifiers: ClinVar variation 952675 (VCV000952675.9), dbSNP rs1830620832, ClinGen allele CA1139661222.